The following is an entry in ClinVar:

NM_001145511.2(NFIA):c.3+4353A>G

Genes: NFIA (nuclear factor I A; plus strand), LOC122056894 (Sharpr-MPRA regulatory region 5981; plus strand). Cytogenetic location: 1p31.3.
Variant type: single nucleotide variant.
Coding change: c.3+4353A>G on transcript NM_001145511.2; 4353 bases into the intron after coding-DNA position 3, A replaced by G.
Molecular consequence: intron variant. On other transcripts: missense variant (1).
Genome position (GRCh38, 1-based): chr1:61,081,981, A>G. VCF-style: chr1-61081981-A-G. GRCh37 (hg19) VCF-style: chr1-61547653-A-G.
Other names: c.38A>G, p.Tyr13Cys (NM_001145512.2); short protein forms Y13C.
Identifiers: ClinVar variation 4819514 (VCV004819514.1).

ClinVar aggregate classification (germline): Uncertain significance (1 of 4 stars; one submission).

Submission:

GeneDx
Classification: Uncertain significance. Last evaluated: 2025-09-30. Review status: criteria provided, single submitter. Criteria: GeneDx Variant Classification Process June 2021. Collection method: clinical testing. Allele origin: germline. Affected: yes.
Comment: Not observed at significant frequency in large population cohorts (gnomAD); In silico analysis suggests that this missense variant does not alter protein structure/function; Has not been previously published as pathogenic or benign to our knowledge; Reported using an alternate transcript of the gene